The following is an entry in ClinVar:

NM_007055.4(POLR3A):c.2924G>A (p.Gly975Glu)

Gene: POLR3A (RNA polymerase III subunit A; minus strand). Cytogenetic location: 10q22.3.
Variant type: single nucleotide variant.
Coding change: c.2924G>A on transcript NM_007055.4 (MANE Select); coding-DNA position 2924, G replaced by A.
Protein change: p.Gly975Glu; replaces glycine 975 with glutamic acid.
Molecular consequence: missense variant.
Genome position (GRCh38, 1-based): chr10:77,986,137, C>T on the plus strand (G>A on the coding strand, the complement: POLR3A is on the minus strand). VCF-style: chr10-77986137-C-T. GRCh37 (hg19) VCF-style: chr10-79745895-C-T.
Other names: c.2924G>A (NM_007055.3); short protein forms G975E.
Identifiers: ClinVar variation 1400884 (VCV001400884.12), dbSNP rs1459792412, ClinGen allele CA377332309.

ClinVar aggregate classification (germline): Conflicting classifications of pathogenicity. Review status: criteria provided, conflicting classifications (1 of 4 stars). 3 submissions from 3 submitters: Uncertain significance (2); Likely benign (1). Last evaluated 2024-09-03.

Conditions:
Inborn genetic diseases. Identifiers: MedGen C0950123, MeSH D030342.

Allele frequency attached by ClinVar (database versions not stated): gnomAD 0.00001 and 0.00002; TOPMed 0.00002.
gnomAD v4.1: 6 of 1,574,292 alleles (0.00038%); highest among the groups gnomAD compares: Admixed American, 0.0083%; no homozygotes.

Submissions (3):

Labcorp Genetics (formerly Invitae), Labcorp
Classification: Uncertain significance. Last evaluated: 2024-09-03. Review status: criteria provided, single submitter. Criteria: Invitae Variant Classification Sherloc (09022015). Collection method: clinical testing. Allele origin: germline.
Comment: This sequence change replaces glycine, which is neutral and non-polar, with glutamic acid, which is acidic and polar, at codon 975 of the POLR3A protein (p.Gly975Glu). This variant is present in population databases (no rsID available, gnomAD 0.1%). This variant has not been reported in the literature in individuals affected with POLR3A-related conditions. ClinVar contains an entry for this variant (Variation ID: 1400884). Invitae Evidence Modeling of protein sequence and biophysical properties (such as structural, functional, and spatial information, amino acid conservation, physicochemical variation, residue mobility, and thermodynamic stability) indicates that this missense variant is not expected to disrupt POLR3A protein function with a negative predictive value of 80%. In summary, the available evidence is currently insufficient to determine the role of this variant in disease. Therefore, it has been classified as a Variant of Uncertain Significance.

Ambry Genetics
Classification: Uncertain significance for Inborn genetic diseases. Last evaluated: 2022-12-06. Review status: criteria provided, single submitter. Criteria: Ambry Variant Classification Scheme 2023. Collection method: clinical testing. Allele origin: germline.

Blueprint Genetics
Classification: Likely benign. Last evaluated: 2022-11-01. Review status: criteria provided, single submitter. Criteria: ACMG Guidelines, 2015. Collection method: clinical testing. Allele origin: germline.